The following is an entry in ClinVar:

ClinVar aggregate classification (germline): Uncertain significance (1 of 4 stars; one submission).

Conditions:
Pontocerebellar hypoplasia type 2E. Identifiers: Orphanet 247198, MedGen C4014488, MONDO:0014370, OMIM 615851.

Submission:

Myriad Genetics, Inc.
Classification: Uncertain significance for Pontocerebellar hypoplasia type 2E. Last evaluated: 2025-07-20. Review status: criteria provided, single submitter. Criteria: Myriad Autosomal Dominant, Autosomal Recessive and X-Linked Classification Criteria (2023). Collection method: clinical testing. Allele origin: unknown.
Comment: NM_001128159.2(VPS53):c.15_17delGGA(E6del) is an in-frame deletion classified as a variant of uncertain significance in the context of pontocerebellar hypoplasia, VPS53-related. E6del has not been observed in cases with relevant disease. Relevant functional assessments of this variant are not available in the literature. E6del has not been observed in referenced population frequency databases. In summary, there is insufficient evidence to classify NM_001128159.2(VPS53):c.15_17delGGA(E6del) as pathogenic or benign. Please note: this variant was assessed in the context of healthy population screening.

NM_001128159.3(VPS53):c.6GGA[3] (p.Glu6del)

Gene: VPS53 (VPS53 subunit of GARP complex; minus strand). Cytogenetic location: 17p13.3.
Variant type: Microsatellite.
Coding change: c.6GGA[3] on transcript NM_001128159.3 (MANE Select); three copies in a row of the 3-base unit GGA starting at c.6; the reference has four copies in a row; one copy, 3 bases deleted.
Protein change: p.Glu6del; deletes glutamic acid 6.
Molecular consequence: inframe deletion. On other transcripts: 5 prime UTR variant (1).
Genome position (GRCh38, 1-based): chr17:714,693-714,695, TCC deleted on the plus strand (GGA on the coding strand, the reverse complement: VPS53 is on the minus strand); deleting any 3 consecutive bases within chr17:714,693-714,704 gives the same sequence; the position shown is the placement nearest the transcript's 3' end. VCF-style (leftmost placement, unchanged base first): chr17-714692-TTCC-T. GRCh37 (hg19) VCF-style: chr17-617932-TTCC-T.
Other names: c.6GGA[3], p.Glu6del (NM_001366253.2, NM_018289.4); c.-687GGA[3] (NM_001366254.2); short protein forms E6del.
Identifiers: ClinVar variation 5003397 (VCV005003397.1).